The following is an entry in ClinVar:

ClinVar aggregate classification (germline): Uncertain significance (1 of 4 stars; one submission).

Conditions:
MOGS-congenital disorder of glycosylation. Also called: GLUCOSIDASE I DEFICIENCY; CDG IIb; MOGS-CDG; CDG 2B. Identifiers: Orphanet 79330, MedGen C1853736, MONDO:0011629, OMIM 606056.

Submission:

Labcorp Genetics (formerly Invitae), Labcorp
Classification: Uncertain significance for MOGS-congenital disorder of glycosylation. Last evaluated: 2020-10-26. Review status: criteria provided, single submitter. Criteria: Invitae Variant Classification Sherloc (09022015). Collection method: clinical testing. Allele origin: germline.
Comment: In summary, the available evidence is currently insufficient to determine the role of this variant in disease. Therefore, it has been classified as a Variant of Uncertain Significance. Algorithms developed to predict the effect of sequence changes on RNA splicing suggest that this variant may create or strengthen a splice site, but this prediction has not been confirmed by published transcriptional studies. Algorithms developed to predict the effect of missense changes on protein structure and function are either unavailable or do not agree on the potential impact of this missense change (SIFT: "Deleterious"; PolyPhen-2: "Probably Damaging"; Align-GVGD: "Class C0"). This variant has not been reported in the literature in individuals with MOGS-related conditions. This variant is not present in population databases (ExAC no frequency). This sequence change replaces arginine with tryptophan at codon 70 of the MOGS protein (p.Arg70Trp). The arginine residue is moderately conserved and there is a moderate physicochemical difference between arginine and tryptophan.

NM_006302.3(MOGS):c.208C>T (p.Arg70Trp)

Genes: MOGS (mannosyl-oligosaccharide glucosidase; minus strand), LOC129934128 (ATAC-STARR-seq lymphoblastoid silent region 11664; plus strand). Cytogenetic location: 2p13.1.
Variant type: single nucleotide variant.
Coding change: c.208C>T on transcript NM_006302.3 (MANE Select); coding-DNA position 208, C replaced by T.
Protein change: p.Arg70Trp; replaces arginine 70 with tryptophan.
Molecular consequence: missense variant. On other transcripts: intron variant (1).
Genome position (GRCh38, 1-based): chr2:74,465,040, G>A on the plus strand (C>T on the coding strand, the complement: MOGS is on the minus strand). VCF-style: chr2-74465040-G-A. GRCh37 (hg19) VCF-style: chr2-74692167-G-A.
Other names: c.-58-53C>T (NM_001146158.2); short protein forms R70W.
Identifiers: ClinVar variation 1053253 (VCV001053253.9), dbSNP rs1022588391, ClinGen allele CA347382973.
Genomic context (GRCh38, chr2:74,465,040, plus strand): 5'-CGGCGGGGCTGGAGGAGTCGGCAGGCAACACAGGAGGCGCGGAGTGCAGCGTGACCGCCC[G>A]CCGCGCACGGTACCACGCCAGCACCCAGCGCCCCGACATACCCAGGGCCAAAGACAGGAC-3'
Protein context (NP_006293.2, residues 60-80): RWVLAWYRAR[Arg70Trp]AVTLHSAPPV